The following is an entry in ClinVar:

NM_015631.6(TCTN3):c.1490C>G (p.Ser497Cys)

Gene: TCTN3 (tectonic family member 3; minus strand). Cytogenetic location: 10q24.1.
Variant type: single nucleotide variant.
Coding change: c.1490C>G on transcript NM_015631.6 (MANE Select); coding-DNA position 1490, C replaced by G.
Protein change: p.Ser497Cys; replaces serine 497 with cysteine.
Molecular consequence: missense variant.
Genome position (GRCh38, 1-based): chr10:95,680,572, G>C on the plus strand (C>G on the coding strand, the complement: TCTN3 is on the minus strand). VCF-style: chr10-95680572-G-C. GRCh37 (hg19) VCF-style: chr10-97440329-G-C.
Other names: c.1544C>G, p.Ser515Cys (NM_001013840.1); c.1046C>G, p.Ser349Cys (NM_001143973.2); c.1394C>G, p.Ser465Cys (NM_001410982.1); short protein forms S349C, S515C, S497C, S465C.
Identifiers: ClinVar variation 1910782 (VCV001910782.5), dbSNP rs139612049, ClinGen allele CA5620811.
Genomic context (GRCh38, chr10:95,680,572, plus strand): 5'-ACATGAGCTTGCGGGTTGGACAGGAGACCTACATATGCCCACAATACCTGGATCTCCAGG[G>C]AAACTGGTATGAGACAGCAGGAAGTACAGTTTATAGCCTGCAGAAGGGTAAAGAAGCATC-3'
Protein context (NP_056446.4, residues 487-507): NCTSCCLIPV[Ser497Cys]LEIQVLWAYV

ClinVar aggregate classification (germline): Uncertain significance. Review status: criteria provided, multiple submitters, no conflicts (2 of 4 stars). 2 submissions from 2 submitters: Uncertain significance (2). Last evaluated 2023-12-14.

Conditions:
Joubert syndrome 18 (JBTS18). Identifiers: Orphanet 2754, MedGen C3553758, MONDO:0013896, OMIM 614815.
Orofacial-digital syndrome IV (OFD4). Also called: BARAITSER-BURN SYNDROME; OFD SYNDROME WITH TIBIAL DEFECTS; OFD SYNDROME, BARAITSER-BURN TYPE; OFDS IV; ORAL-FACIAL-DIGITAL SYNDROME, TYPE IV; MOHR-MAJEWSKI SYNDROME. Identifiers: Orphanet 2753, MedGen C0406727, MONDO:0009794, OMIM 258860.

Allele frequency attached by ClinVar (database versions not stated): ESP Exome Variant Server 0.00008.
gnomAD v4.1: 18 of 1,614,112 alleles (0.0011%); highest among the groups gnomAD compares: Non-Finnish European, 0.0015%; no homozygotes.

Submissions (2):

Blueprint Genetics
Classification: Uncertain significance. Last evaluated: 2023-12-14. Review status: criteria provided, single submitter. Criteria: ACMG Guidelines, 2015. Collection method: clinical testing. Allele origin: germline.

Labcorp Genetics (formerly Invitae), Labcorp
Classification: Uncertain significance for Joubert syndrome 18; Orofacial-digital syndrome IV. Last evaluated: 2022-08-04. Review status: criteria provided, single submitter. Criteria: Invitae Variant Classification Sherloc (09022015). Collection method: clinical testing. Allele origin: germline.
Comment: This sequence change replaces serine, which is neutral and polar, with cysteine, which is neutral and slightly polar, at codon 497 of the TCTN3 protein (p.Ser497Cys). This variant is present in population databases (rs139612049, gnomAD 0.007%). This variant has not been reported in the literature in individuals affected with TCTN3-related conditions. Algorithms developed to predict the effect of missense changes on protein structure and function are either unavailable or do not agree on the potential impact of this missense change (SIFT: "Deleterious"; PolyPhen-2: "Possibly Damaging"; Align-GVGD: "Class C0"). In summary, the available evidence is currently insufficient to determine the role of this variant in disease. Therefore, it has been classified as a Variant of Uncertain Significance.